The following is an entry in ClinVar:

NM_004357.5(CD151):c.277-3C>G

Gene: CD151 (CD151 molecule (Raph blood group); plus strand). Cytogenetic location: 11p15.5.
Variant type: single nucleotide variant.
Coding change: c.277-3C>G on transcript NM_004357.5 (MANE Select); 3 bases into the intron before coding-DNA position 277, C replaced by G.
Molecular consequence: intron variant.
Genome position (GRCh38, 1-based): chr11:836,766, C>G. VCF-style: chr11-836766-C-G. GRCh37 (hg19) VCF-style: chr11-836766-C-G.
Other names: c.277-3C>G (NM_139030.4, NM_139029.2, NM_001039490.2).
Identifiers: ClinVar variation 2790123 (VCV002790123.3), dbSNP rs1846789419, ClinGen allele CA1947333780.

ClinVar aggregate classification (germline): Uncertain significance (1 of 4 stars; one submission).

Allele frequency attached by ClinVar (database versions not stated): gnomAD exomes below 0.00001.
gnomAD v4.1: 2 of 1,612,656 alleles (0.00012%); highest among the groups gnomAD compares: Non-Finnish European, 0.00017%; no homozygotes.

Submission:

Labcorp Genetics (formerly Invitae), Labcorp
Classification: Uncertain significance. Last evaluated: 2024-01-06. Review status: criteria provided, single submitter. Criteria: Invitae Variant Classification Sherloc (09022015). Collection method: clinical testing. Allele origin: germline.
Comment: This sequence change falls in intron 4 of the CD151 gene. It does not directly change the encoded amino acid sequence of the CD151 protein. It affects a nucleotide within the consensus splice site. This variant is not present in population databases (gnomAD no frequency). This variant has not been reported in the literature in individuals affected with CD151-related conditions. Variants that disrupt the consensus splice site are a relatively common cause of aberrant splicing (PMID: 17576681, 9536098). Algorithms developed to predict the effect of sequence changes on RNA splicing suggest that this variant may disrupt the consensus splice site. In summary, the available evidence is currently insufficient to determine the role of this variant in disease. Therefore, it has been classified as a Variant of Uncertain Significance.

Literature cited by the submitters: PubMed 17576681; PubMed 9536098.